The following is an entry in ClinVar:

NM_000553.6(WRN):c.4042A>G (p.Ile1348Val)

Gene: WRN (WRN RecQ like helicase; plus strand). Cytogenetic location: 8p12.
Variant type: single nucleotide variant.
Coding change: c.4042A>G on transcript NM_000553.6 (MANE Select); coding-DNA position 4042, A replaced by G.
Protein change: p.Ile1348Val; replaces isoleucine 1348 with valine.
Molecular consequence: missense variant.
Genome position (GRCh38, 1-based): chr8:31,167,081, A>G. VCF-style: chr8-31167081-A-G. GRCh37 (hg19) VCF-style: chr8-31024597-A-G.
Other names: short protein forms I1348V.
Identifiers: ClinVar variation 998446 (VCV000998446.4), dbSNP rs374028957, ClinGen allele CA174886762.

ClinVar aggregate classification (germline): Uncertain significance (1 of 4 stars; one submission).

Conditions:
Werner syndrome (WRN). Identifiers: Orphanet 902, MedGen C0043119, MONDO:0010196, OMIM 277700.

Allele frequency attached by ClinVar (database versions not stated): gnomAD exomes below 0.00001.
gnomAD v4.1: 6 of 1,613,424 alleles (0.00037%); highest among the groups gnomAD compares: East Asian, 0.0022%; no homozygotes.

Submission:

Labcorp Genetics (formerly Invitae), Labcorp
Classification: Uncertain significance for Werner syndrome. Last evaluated: 2025-04-22. Review status: criteria provided, single submitter. Criteria: Invitae Variant Classification Sherloc (09022015). Collection method: clinical testing. Allele origin: germline.
Comment: This sequence change replaces isoleucine, which is neutral and non-polar, with valine, which is neutral and non-polar, at codon 1348 of the WRN protein (p.Ile1348Val). This variant is not present in population databases (gnomAD no frequency). This variant has not been reported in the literature in individuals affected with WRN-related conditions. ClinVar contains an entry for this variant (Variation ID: 998446). An algorithm developed to predict the effect of missense changes on protein structure and function (PolyPhen-2) suggests that this variant is likely to be disruptive. In summary, the available evidence is currently insufficient to determine the role of this variant in disease. Therefore, it has been classified as a Variant of Uncertain Significance.